The following is an entry in ClinVar:

ClinVar aggregate classification (germline): Uncertain significance (1 of 4 stars; one submission).

gnomAD v4.1: 21 of 1,613,792 alleles (0.0013%); highest among the groups gnomAD compares: Non-Finnish European, 0.0018%; no homozygotes.

Submission:

Ambry Genetics
Classification: Uncertain significance. Last evaluated: 2024-12-04. Review status: criteria provided, single submitter. Criteria: Ambry Variant Classification Scheme 2023. Collection method: clinical testing. Allele origin: germline.
Comment: The p.D4Y variant (also known as c.10G>T), located in coding exon 1 of the TET2 gene, results from a G to T substitution at nucleotide position 10. The aspartic acid at codon 4 is replaced by tyrosine, an amino acid with highly dissimilar properties. This amino acid position is conserved. In addition, the in silico prediction for this alteration is inconclusive. Based on the available evidence, the clinical significance of this variant remains unclear.

NM_001127208.3(TET2):c.10G>T (p.Asp4Tyr)

Genes: TET2 (tet methylcytosine dioxygenase 2; plus strand), TET2-AS1 (TET2 antisense RNA 1; minus strand). Cytogenetic location: 4q24.
Variant type: single nucleotide variant.
Coding change: c.10G>T on transcript NM_001127208.3 (MANE Select); coding-DNA position 10, G replaced by T.
Protein change: p.Asp4Tyr; replaces aspartic acid 4 with tyrosine.
Molecular consequence: missense variant.
Genome position (GRCh38, 1-based): chr4:105,233,952, G>T. VCF-style: chr4-105233952-G-T. GRCh37 (hg19) VCF-style: chr4-106155109-G-T.
Other names: c.10G>T, p.Asp4Tyr (NM_017628.4); short protein forms D4Y.
Identifiers: ClinVar variation 3455369 (VCV003455369.1).